The following is an entry in ClinVar:

NM_001365999.1(SZT2):c.1000G>T (p.Gly334Cys)

Gene: SZT2 (SZT2 subunit of KICSTOR complex; plus strand). Cytogenetic location: 1p34.2.
Variant type: single nucleotide variant.
Coding change: c.1000G>T on transcript NM_001365999.1 (MANE Select); coding-DNA position 1000, G replaced by T.
Protein change: p.Gly334Cys; replaces glycine 334 with cysteine.
Molecular consequence: missense variant.
Genome position (GRCh38, 1-based): chr1:43,419,854, G>T. VCF-style: chr1-43419854-G-T. GRCh37 (hg19) VCF-style: chr1-43885525-G-T.
Other names: c.1000G>T, p.Gly334Cys (NM_015284.4); short protein forms G334C.
Identifiers: ClinVar variation 805602 (VCV000805602.9), dbSNP rs918688605, ClinGen allele CA21628661.

ClinVar aggregate classification (germline): Uncertain significance. Review status: criteria provided, multiple submitters, no conflicts (2 of 4 stars). 4 submissions from 4 submitters: Uncertain significance (4). Last evaluated 2025-08-12.

Conditions:
Developmental and epileptic encephalopathy, 18 (DEE18). Also called: Early infantile epileptic encephalopathy 18. Identifiers: Orphanet 369894, MedGen C3809624, MONDO:0014201, OMIM 615476.
Inborn genetic diseases. Identifiers: MedGen C0950123, MeSH D030342.

Allele frequency attached by ClinVar (database versions not stated): gnomAD exomes 0.00001 and 0.00002; TOPMed 0.00001.
gnomAD v4.1: 8 of 1,598,350 alleles (0.0005%); highest among the groups gnomAD compares: Admixed American, 0.0083%; no homozygotes.

Submissions (4):

Ambry Genetics
Classification: Uncertain significance for Inborn genetic diseases. Last evaluated: 2025-08-12. Review status: criteria provided, single submitter. Criteria: Ambry Variant Classification Scheme 2023. Collection method: clinical testing. Allele origin: germline.

Genome-Nilou Lab
Classification: Uncertain significance for Developmental and epileptic encephalopathy, 18. Last evaluated: 2023-04-11. Review status: criteria provided, single submitter. Criteria: ACMG Guidelines, 2015. Collection method: clinical testing. Allele origin: germline. Affected: no.

Labcorp Genetics (formerly Invitae), Labcorp
Classification: Uncertain significance. Last evaluated: 2021-09-01. Review status: criteria provided, single submitter. Criteria: Invitae Variant Classification Sherloc (09022015). Collection method: clinical testing. Allele origin: germline.
Comment: This sequence change replaces glycine with cysteine at codon 334 of the SZT2 protein (p.Gly334Cys). The glycine residue is weakly conserved and there is a large physicochemical difference between glycine and cysteine. This variant is not present in population databases (ExAC no frequency). This variant has not been reported in the literature in individuals affected with SZT2-related conditions. ClinVar contains an entry for this variant (Variation ID: 805602). Algorithms developed to predict the effect of missense changes on protein structure and function are either unavailable or do not agree on the potential impact of this missense change (SIFT: "Tolerated"; PolyPhen-2: "Probably Damaging"; Align-GVGD: "Class C0"). In summary, the available evidence is currently insufficient to determine the role of this variant in disease. Therefore, it has been classified as a Variant of Uncertain Significance.

Athena Diagnostics
Classification: Uncertain significance. Last evaluated: 2019-03-06. Review status: criteria provided, single submitter. Criteria: Athena Diagnostics Criteria. Collection method: clinical testing. Allele origin: germline.